The following is an entry in ClinVar:

ClinVar aggregate classification (germline): Uncertain significance. Review status: criteria provided, single submitter (1 of 4 stars). 2 submissions from 2 submitters: Uncertain significance (1). 1 of the submissions does not count toward it. Last evaluated 2022-09-20.

Conditions:
IFT172-related disorder. Also called: IFT172-related condition; IFT172-related disorders.

gnomAD v4.1: 1 of 1,614,166 alleles (0.000062%); highest among the groups gnomAD compares: African/African-American, 0.0013%; no homozygotes.

Submissions (2):

Blueprint Genetics
Classification: Uncertain significance. Last evaluated: 2022-09-20. Review status: criteria provided, single submitter. Criteria: ACMG Guidelines, 2015. Collection method: clinical testing. Allele origin: germline.

PreventionGenetics, part of Exact Sciences
Classification: Uncertain significance for IFT172-related condition. Last evaluated: 2024-08-22. Review status: no assertion criteria provided. Collection method: clinical testing. Allele origin: germline. Not counted in ClinVar's aggregate classification.
Comment: The IFT172 c.1951T>G variant is predicted to result in the amino acid substitution p.Leu651Val. To our knowledge, this variant has not been reported in the literature or in a large population database, indicating this variant is rare. At this time, the clinical significance of this variant is uncertain due to the absence of conclusive functional and genetic evidence.

NM_015662.3(IFT172):c.1951T>G (p.Leu651Val)

Gene: IFT172 (intraflagellar transport 172; minus strand). Cytogenetic location: 2p23.3.
Variant type: single nucleotide variant.
Coding change: c.1951T>G on transcript NM_015662.3 (MANE Select); coding-DNA position 1951, T replaced by G.
Protein change: p.Leu651Val; replaces leucine 651 with valine.
Molecular consequence: missense variant.
Genome position (GRCh38, 1-based): chr2:27,463,168, A>C on the plus strand (T>G on the coding strand, the complement: IFT172 is on the minus strand). VCF-style: chr2-27463168-A-C. GRCh37 (hg19) VCF-style: chr2-27686035-A-C.
Other names: c.1885T>G, p.Leu629Val (NM_001410739.1); short protein forms L629V, L651V.
Identifiers: ClinVar variation 3347104 (VCV003347104.2).